The following is an entry in ClinVar:

ClinVar aggregate classification (germline): Uncertain significance (1 of 4 stars; one submission).

Conditions:
Cardiovascular phenotype. Identifiers: MedGen CN230736.

gnomAD v4.1: 1 of 1,612,312 alleles (0.000062%); highest among the groups gnomAD compares: Non-Finnish European, 0.000085%; no homozygotes.

Submission:

Ambry Genetics
Classification: Uncertain significance for Cardiovascular phenotype. Last evaluated: 2025-01-14. Review status: criteria provided, single submitter. Criteria: Ambry Variant Classification Scheme 2023. Collection method: clinical testing. Allele origin: germline.
Comment: The p.M317T variant (also known as c.950T>C), located in coding exon 8 of the NEXN gene, results from a T to C substitution at nucleotide position 950. The methionine at codon 317 is replaced by threonine, an amino acid with similar properties. This variant was reported in individual(s) with features consistent with hypertrophic cardiomyopathy (Hermida A et al. Circ Genom Precis Med, 2024 Feb;17:e004285). This amino acid position is poorly conserved in available vertebrate species. In addition, this alteration is predicted to be tolerated by in silico analysis. Based on the available evidence, the clinical significance of this variant remains unclear.

Literature cited by the submitters: PubMed 38059363.

NM_144573.4(NEXN):c.950T>C (p.Met317Thr)

Gene: NEXN (nexilin F-actin binding protein; plus strand). Cytogenetic location: 1p31.1.
Variant type: single nucleotide variant.
Coding change: c.950T>C on transcript NM_144573.4 (MANE Select); coding-DNA position 950, T replaced by C.
Protein change: p.Met317Thr; replaces methionine 317 with threonine.
Molecular consequence: missense variant.
Genome position (GRCh38, 1-based): chr1:77,929,401, T>C. VCF-style: chr1-77929401-T-C. GRCh37 (hg19) VCF-style: chr1-78395086-T-C.
Other names: c.758T>C, p.Met253Thr (NM_001172309.2); short protein forms M317T, M253T.
Identifiers: ClinVar variation 3878958 (VCV003878958.1).